The following is an entry in ClinVar:

ClinVar aggregate classification (germline): Likely pathogenic (1 of 4 stars; one submission).

Conditions:
Dent disease type 1 (DENT1). Also called: NEPHROLITHIASIS 2; NEPHROLITHIASIS, HYPERCALCIURIC, X-LINKED. Identifiers: Orphanet 1652, Orphanet 93622, MedGen C1848336, MONDO:0010225, OMIM 300009.

Submission:

Victorian Clinical Genetics Services, Murdoch Childrens Research Institute
Classification: Likely pathogenic for Dent disease type 1. Last evaluated: 2024-09-21. Review status: criteria provided, single submitter. Criteria: ACMG Guidelines, 2015. Collection method: clinical testing. Allele origin: germline. Inheritance: X-linked recessive inheritance. Affected: yes.
Comment: Based on the classification scheme VCGS_Germline_v1.3.4, this variant is classified as Likely pathogenic. Following criteria are met: 0102 - Loss of function is a known mechanism of disease in this gene and is associated with Dent disease 1 (MIM#300009). (I) 0109 - This gene is associated with X-linked recessive disease. Dent disease 1 (MIM#300009) is now the generally accepted name for a group of hereditary tubular disorders including X-linked recessive nephrolithiasis type I (MIM#310468), hypophosphataemic rickets (MIM#300554), and low molecular weight proteinuria with hypercalciuric nephrocalcinosis (MIM#308990) (PMID: 12637640). Dent disease 1 (MIM#300009) mainly affects males; however, female carriers may show a milder phenotype (PMID: 28580211). (I) 0115 - Variants in this gene are known to have variable expressivity. The phenotype can be variable within and between families (PMID: 28580211). (I) 0200 - Variant is predicted to result in a missense amino acid change from lysine to isoleucine. (I) 0253 - This variant is hemizygous. (I) 0301 - Variant is absent from gnomAD (both v2 and v3). (SP) 0309 - Multiple alternative amino acid changes at the same position has been observed in gnomAD (v2 and v3) (highest allele count: 2 heterozygotes, 0 homozygotes, 0 hemizygotes). (I) 0501 - Missense variant consistently predicted to be damaging by multiple in silico tools or highly conserved with a major amino acid change. (SP) 0600 - Variant is located in the annotated voltage gated chloride channel (DECIPHER). (I) 0704 - Other variants comparable to the one identified in this case have limited previous evidence for pathogenicity. p.(Lys301Arg) has been observed in an individual with Dent disease and classified as likely pathogenic (PMID: 32683654), and p.(Lys301Thr) has been classified as a VUS in LOVD. (SP) 0803 - This variant has limited previous evidence of pathogenicity in an unrelated individual. This variant has been observed in an individual with Dent disease (PMID: 25907713). (SP) 0905 - No published segregation evidence has been identified for this variant. (I) 1007 - No published functional evidence has been identified for this variant. (I) Legend: (SP) - Supporting pathogenic, (I) - Information, (SB) - Supporting benign

Literature cited by the submitters: PubMed 12637640; PubMed 25907713; PubMed 28580211; PubMed 32683654.

NM_001127898.4(CLCN5):c.902A>T (p.Lys301Ile)

Gene: CLCN5 (Cl-/H+ antiporter 5; plus strand). Cytogenetic location: Xp11.23.
Variant type: single nucleotide variant.
Coding change: c.902A>T on transcript NM_001127898.4 (MANE Select); coding-DNA position 902, A replaced by T.
Protein change: p.Lys301Ile; replaces lysine 301 with isoleucine.
Molecular consequence: missense variant.
Genome position (GRCh38, 1-based): chrX:50,081,816, A>T. VCF-style: chrX-50081816-A-T. GRCh37 (hg19) VCF-style: chrX-49846473-A-T.
Other names: c.692A>T, p.Lys231Ile (NM_000084.5); c.902A>T, p.Lys301Ile (NM_001127899.4); c.752A>T, p.Lys251Ile (NM_001282163.2); short protein forms K231I, K251I, K301I.
Identifiers: ClinVar variation 3255100 (VCV003255100.2), dbSNP rs782733541.